The following is an entry in ClinVar:

ClinVar aggregate classification (germline): Uncertain significance (1 of 4 stars; one submission).

Submission:

Women's Health and Genetics/Laboratory Corporation of America, LabCorp
Classification: Uncertain significance. Last evaluated: 2025-12-03. Review status: criteria provided, single submitter. Criteria: LabCorp Variant Classification Summary - May 2015. Collection method: clinical testing. Allele origin: germline.
Comment: Variant summary: NEB c.220A>G (p.Lys74Glu) results in a conservative amino acid change in the encoded protein sequence. Algorithms developed to predict the effect of missense changes on protein structure and function all suggest that this variant is likely to be tolerated. The variant was absent in 248864 control chromosomes. The available data on variant occurrences in the general population are insufficient to allow any conclusion about variant significance. To our knowledge, no occurrence of c.220A>G in individuals affected with NEB-related conditions and no experimental evidence demonstrating its impact on protein function have been reported. No submitters have cited clinical-significance assessments for this variant to ClinVar. Based on the evidence outlined above, the variant was classified as uncertain significance.

NM_001164508.2(NEB):c.220A>G (p.Lys74Glu)

Gene: NEB (nebulin; minus strand). Cytogenetic location: 2q23.3.
Variant type: single nucleotide variant.
Coding change: c.220A>G on transcript NM_001164508.2 (MANE Select); coding-DNA position 220, A replaced by G.
Protein change: p.Lys74Glu; replaces lysine 74 with glutamic acid.
Molecular consequence: missense variant.
Genome position (GRCh38, 1-based): chr2:151,727,765, T>C on the plus strand (A>G on the coding strand, the complement: NEB is on the minus strand). VCF-style: chr2-151727765-T-C. GRCh37 (hg19) VCF-style: chr2-152584279-T-C.
Other names: c.220A>G, p.Lys74Glu (NM_001164507.2, NM_001271208.2, NM_004543.5); short protein forms K74E.
Identifiers: ClinVar variation 4688606 (VCV004688606.1).